The following is an entry in ClinVar:

ClinVar aggregate classification (germline): Likely benign. Review status: criteria provided, multiple submitters, no conflicts (2 of 4 stars). 2 submissions from 2 submitters: Likely benign (2). Last evaluated 2026-06-12.

Conditions:
Polyps, multiple and recurrent inflammatory fibroid, gastrointestinal. Identifiers: MedGen C5193005, MONDO:0008285, OMIM 175510.
Gastrointestinal stromal tumor. Also called: Gastrointestinal stromal tumor, somatic; Gastrointestinal stroma tumor. Identifiers: Orphanet 44890, MedGen C0238198, MeSH D046152, MONDO:0011719, OMIM 606764, HP:0100723.

Allele frequency attached by ClinVar (database versions not stated): gnomAD exomes below 0.00001; ESP Exome Variant Server 0.00008.
gnomAD v4.1: 6 of 1,609,386 alleles (0.00037%); highest among the groups gnomAD compares: Non-Finnish European, 0.00051%; no homozygotes.

Submissions (2):

Myriad Genetics, Inc.
Classification: Likely benign for Polyps, multiple and recurrent inflammatory fibroid, gastrointestinal. Last evaluated: 2026-06-12. Review status: criteria provided, single submitter. Criteria: Myriad Autosomal Dominant, Autosomal Recessive and X-Linked Classification Criteria (2023). Collection method: clinical testing. Allele origin: unknown.
Comment: This variant is considered likely benign. This variant is intronic and is not expected to impact mRNA splicing.

Labcorp Genetics (formerly Invitae), Labcorp
Classification: Likely benign for Gastrointestinal stromal tumor. Last evaluated: 2025-01-01. Review status: criteria provided, single submitter. Criteria: Invitae Variant Classification Sherloc (09022015). Collection method: clinical testing. Allele origin: germline.

NM_006206.6(PDGFRA):c.1365-17G>C

Gene: PDGFRA (platelet derived growth factor receptor alpha; plus strand). Cytogenetic location: 4q12.
Variant type: single nucleotide variant.
Coding change: c.1365-17G>C on transcript NM_006206.6 (MANE Select); 17 bases into the intron before coding-DNA position 1365, G replaced by C.
Molecular consequence: intron variant.
Genome position (GRCh38, 1-based): chr4:54,273,520, G>C. VCF-style: chr4-54273520-G-C. GRCh37 (hg19) VCF-style: chr4-55139687-G-C.
Other names: c.1440-17G>C (NM_001347828.2); c.1365-17G>C (NM_001347827.2, NM_001347829.2); c.1404-17G>C (NM_001347830.2).
Identifiers: ClinVar variation 1624089 (VCV001624089.16), dbSNP rs371497463, ClinGen allele CA96858653.